The following is an entry in ClinVar:

NM_153717.3(EVC):c.698dup (p.His233fs)

Gene: EVC (EvC ciliary complex subunit 1; plus strand). Cytogenetic location: 4p16.2.
Variant type: Duplication.
Coding change: c.698dup on transcript NM_153717.3 (MANE Select); coding-DNA position 698, one base duplicated (A; older notation c.698dupA).
Protein change: p.His233fs; shifts the reading frame from histidine 233.
Molecular consequence: frameshift variant.
Genome position (GRCh38, 1-based): chr4:5,733,431, A duplicated. VCF-style (leftmost placement, unchanged base first): chr4-5733430-C-CA. GRCh37 (hg19) VCF-style: chr4-5735157-C-CA.
Other names: c.698dup, p.His233fs (NM_001306090.2, NM_001306092.2); c.698dupA (NM_153717.2); short protein forms H233fs.
Identifiers: ClinVar variation 550151 (VCV000550151.11), dbSNP rs1553867117, ClinGen allele CA658821948.
Genomic context (GRCh38, chr4:5,733,430, plus strand): 5'-ATCTACAGCCTTCACTTAAAAGACCTGCTGCATTTGGACACGGCACTGAGGCAGGAAAAG[C>CA]ATATGGTAGGTGGAGATGTTCGCATTCCCTCCTTTTCATGGGGACAGGAGCTGGGAGACA-3'

ClinVar aggregate classification (germline): Pathogenic/Likely pathogenic. Review status: criteria provided, multiple submitters, no conflicts (2 of 4 stars). 3 submissions from 3 submitters: Pathogenic (1); Likely pathogenic (1). 1 of the submissions does not count toward it. Last evaluated 2025-03-10.

Conditions:
Ellis-van Creveld syndrome (EVC). Also called: MESOECTODERMAL DYSPLASIA; EVC-Related Ellis-van Creveld Syndrome; EVC2-Related Ellis-van Creveld Syndrome; Chondroectodermal dysplasia. Identifiers: Orphanet 289, MedGen C0013903, MONDO:0009162, OMIM 225500.
Curry-Hall syndrome (WAD). Also called: WEYERS ACRODENTAL DYSOSTOSIS. Identifiers: Orphanet 952, MedGen C0457013, MONDO:0008673, OMIM 193530.

Submissions (3):

Natera, Inc.
Classification: Likely pathogenic for Ellis-van Creveld syndrome. Last evaluated: 2025-03-10. Review status: criteria provided, single submitter. Criteria: Natera Variant Classification Schema (03/2026). Collection method: clinical testing. Allele origin: germline.
Comment: The c.698dupA variant in EVC is a frameshift variant predicted to shift the reading frame beginning at codon 233 and leads to a stop codon 9 codons downstream. This variant is expected to result in nonsense mediated decay, truncation, or a dysfunctional protein product. This variant is rare in the general population with a frequency below the threshold expected for the associated phenotype(s). Given the available evidence, this variant is classified as Likely Pathogenic.

Labcorp Genetics (formerly Invitae), Labcorp
Classification: Pathogenic for Curry-Hall syndrome; Ellis-van Creveld syndrome. Last evaluated: 2019-10-22. Review status: criteria provided, single submitter. Criteria: Invitae Variant Classification Sherloc (09022015). Collection method: clinical testing. Allele origin: germline.
Comment: This sequence change creates a premature translational stop signal (p.His233Glnfs*9) in the EVC gene. It is expected to result in an absent or disrupted protein product. This variant is not present in population databases (ExAC no frequency). This variant has not been reported in the literature in individuals with EVC-related conditions. ClinVar contains an entry for this variant (Variation ID: 550151). Loss-of-function variants in EVC are known to be pathogenic (PMID: 23220543). For these reasons, this variant has been classified as Pathogenic.

Counsyl
Classification: Likely pathogenic for Ellis-van Creveld syndrome. Last evaluated: 2017-01-03. Review status: no assertion criteria provided. Collection method: clinical testing. Allele origin: unknown. Not counted in ClinVar's aggregate classification.

Literature cited by the submitters: PubMed 23220543 (cited by Labcorp Genetics (formerly Invitae), Labcorp).